The following is an entry in ClinVar:

ClinVar aggregate classification (germline): Likely benign. Review status: criteria provided, multiple submitters, no conflicts (2 of 4 stars). 2 submissions from 2 submitters: Likely benign (2). Last evaluated 2025-04-21.

Conditions:
Developmental and epileptic encephalopathy 94 (DEE94). Also called: CHD2-Related Neurodevelopmental Disorders; Epileptic encephalopathy, childhood-onset. Identifiers: Orphanet 1942, Orphanet 2382, MedGen C3809278, MONDO:0014150, OMIM 615369.

Allele frequency attached by ClinVar (database versions not stated): gnomAD exomes below 0.00001.
gnomAD v4.1: 1 of 1,607,818 alleles (0.000062%); highest among the groups gnomAD compares: Admixed American, 0.0017%; no homozygotes.

Submissions (2):

Athena Diagnostics
Classification: Likely benign. Last evaluated: 2025-04-21. Review status: criteria provided, single submitter. Criteria: Athena Diagnostics Criteria. Collection method: clinical testing. Allele origin: unknown.
Comment: Computational tools yielded predictions that this variant is unlikely to have an effect on normal RNA splicing. This nucleotide position exhibits low evolutionary conservation.

Labcorp Genetics (formerly Invitae), Labcorp
Classification: Likely benign for Developmental and epileptic encephalopathy 94. Last evaluated: 2022-11-23. Review status: criteria provided, single submitter. Criteria: Invitae Variant Classification Sherloc (09022015). Collection method: clinical testing. Allele origin: germline.

NM_001271.4(CHD2):c.2349T>C (p.Leu783=)

Gene: CHD2 (chromodomain helicase DNA binding protein 2; plus strand). Cytogenetic location: 15q26.1.
Variant type: single nucleotide variant.
Coding change: c.2349T>C on transcript NM_001271.4 (MANE Select); coding-DNA position 2349, T replaced by C.
Protein change: p.Leu783=; no amino-acid change (leucine 783 retained).
Molecular consequence: synonymous variant.
Genome position (GRCh38, 1-based): chr15:92,971,924, T>C. VCF-style: chr15-92971924-T-C. GRCh37 (hg19) VCF-style: chr15-93515154-T-C.
Other names: c.2349T>C (NM_001271.3).
Identifiers: ClinVar variation 1566849 (VCV001566849.9), dbSNP rs1285009362, ClinGen allele CA492499473.
Genomic context (GRCh38, chr15:92,971,924, plus strand): 5'-CCACTGCTATCTGATTAAACCCCCTGAAGAAAATGAAAGGGAAAATGGACAGGAGATTCT[T>C]CTGGTAGGTAGTTCCTCATAATTACTTTCTCAAAAAAAACGCTTAGTTTCTCTAGGTGCT-3'
Protein context (NP_001262.3, residues 773-793): ENERENGQEI[Leu783=]LSLIRSSGKL